The following is an entry in ClinVar:

NM_014844.5(TECPR2):c.2747dup (p.Thr917fs)

Gene: TECPR2 (tectonin beta-propeller repeat containing 2; plus strand). Cytogenetic location: 14q32.31.
Variant type: Duplication.
Coding change: c.2747dup on transcript NM_014844.5 (MANE Select); coding-DNA position 2747, one base duplicated (A; older notation c.2747dupA).
Protein change: p.Thr917fs; shifts the reading frame from threonine 917.
Molecular consequence: frameshift variant.
Genome position (GRCh38, 1-based): chr14:102,440,604, A duplicated. VCF-style (leftmost placement, unchanged base first): chr14-102440603-C-CA. GRCh37 (hg19) VCF-style: chr14-102906940-C-CA.
Other names: c.2747dup, p.Thr917fs (NM_001172631.3); short protein forms T917fs.
Identifiers: ClinVar variation 4815745 (VCV004815745.1).

ClinVar aggregate classification (germline): Likely pathogenic (1 of 4 stars; one submission).

Conditions:
Hereditary spastic paraplegia 49 (HSAN9). Also called: TECPR2-Related Hereditary Sensory and Autonomic Neuropathy with Intellectual Disability; Spastic paraplegia 49, autosomal recessive; NEUROPATHY, HEREDITARY SENSORY AND AUTONOMIC, TYPE IX, WITH DEVELOPMENTAL DELAY. Identifiers: Orphanet 320385, MedGen C5190860, MONDO:0014016, OMIM 615031.

Submission:

Natera, Inc.
Classification: Likely pathogenic for Autosomal recessive spastic paraplegia type 49. Last evaluated: 2024-08-19. Review status: criteria provided, single submitter. Criteria: Natera Variant Classification Schema (03/2026). Collection method: clinical testing. Allele origin: germline.
Comment: The c.2747dup variant in TECPR2 is a frameshift variant predicted to shift the reading frame beginning at codon 917 and leads to a stop codon 59 codons downstream. This variant is expected to result in nonsense mediated decay, truncation, or a dysfunctional protein product. This variant is rare in the general population with a frequency below the threshold expected for the associated phenotype(s). Given the available evidence, this variant is classified as Likely Pathogenic.